The following is an entry in ClinVar:

ClinVar aggregate classification (germline): Uncertain significance. Review status: criteria provided, multiple submitters, no conflicts (2 of 4 stars). 2 submissions from 2 submitters: Uncertain significance (2). Last evaluated 2025-04-11.

Conditions:
Hereditary cancer-predisposing syndrome. Also called: Neoplastic Syndromes, Hereditary; Hereditary neoplastic syndrome; Tumor predisposition; Hereditary Cancer Syndrome. Identifiers: Orphanet 140162, MedGen C0027672, MeSH D009386, MONDO:0015356.
Pheochromocytoma. Also called: MAX-Related Hereditary Paraganglioma-Pheochromocytoma Syndrome. Identifiers: Orphanet 29072, MedGen C0031511, MONDO:0008233, OMIM 171300, HP:0002666.

Allele frequency attached by ClinVar (database versions not stated): gnomAD exomes below 0.00001.
gnomAD v4.1: 1 of 1,614,094 alleles (0.000062%); highest among the groups gnomAD compares: Non-Finnish European, 0.000085%; no homozygotes.

Submissions (2):

Ambry Genetics
Classification: Uncertain significance for Hereditary cancer-predisposing syndrome. Last evaluated: 2025-04-11. Review status: criteria provided, single submitter. Criteria: Ambry Variant Classification Scheme 2023. Collection method: clinical testing. Allele origin: germline.
Comment: The p.G145S variant (also known as c.433G>A), located in coding exon 3 of the TMEM127 gene, results from a G to A substitution at nucleotide position 433. The glycine at codon 145 is replaced by serine, an amino acid with similar properties. This amino acid position is conserved. In addition, this alteration is predicted to be deleterious by in silico analysis. Based on the available evidence, the clinical significance of this variant remains unclear.

Baylor Genetics
Classification: Uncertain significance for Pheochromocytoma. Last evaluated: 2023-10-13. Review status: criteria provided, single submitter. Criteria: ACMG Guidelines, 2015. Collection method: clinical testing. Allele origin: unknown.

NM_017849.4(TMEM127):c.433G>A (p.Gly145Ser)

Gene: TMEM127 (transmembrane protein 127; minus strand). Cytogenetic location: 2q11.2.
Variant type: single nucleotide variant.
Coding change: c.433G>A on transcript NM_017849.4 (MANE Select); coding-DNA position 433, G replaced by A.
Protein change: p.Gly145Ser; replaces glycine 145 with serine.
Molecular consequence: missense variant.
Genome position (GRCh38, 1-based): chr2:96,254,092, C>T on the plus strand (G>A on the coding strand, the complement: TMEM127 is on the minus strand). VCF-style: chr2-96254092-C-T. GRCh37 (hg19) VCF-style: chr2-96919830-C-T.
Other names: c.433G>A, p.Gly145Ser (NM_001193304.3); c.181G>A, p.Gly61Ser (NM_001407282.1, NM_001407283.1); short protein forms G145S, G61S.
Identifiers: ClinVar variation 2679214 (VCV002679214.2), dbSNP rs2104285272, ClinGen allele CA347653103.
Genomic context (GRCh38, chr2:96,254,092, plus strand): 5'-GGTACTTCTTATGCTGCTGCTGCTGGGCCAAGATGAGTTCAGAAGCCCAATAAGAAAAGC[C>T]AATGACGGTGGCACACTGCAGAACTAGGAGACAGAGGGACAGCACAGAAGGGGAATTAGT-3'
Protein context (NP_060319.1, residues 135-155): LTVLQCATVI[Gly145Ser]FSYWASELIL